The following is an entry in ClinVar:

ClinVar aggregate classification (germline): Uncertain significance. Review status: criteria provided, multiple submitters, no conflicts (2 of 4 stars). 2 submissions from 2 submitters: Uncertain significance (2). Last evaluated 2019-11-20.

Conditions:
Cardiovascular phenotype. Identifiers: MedGen CN230736.

Allele frequency attached by ClinVar (database versions not stated): gnomAD 0.00001; TOPMed 0.00001.
gnomAD v4.1: 3 of 1,613,420 alleles (0.00019%); highest among the groups gnomAD compares: Non-Finnish European, 0.00025%; no homozygotes.

Submissions (2):

Ambry Genetics
Classification: Uncertain significance for Cardiovascular phenotype. Last evaluated: 2019-11-20. Review status: criteria provided, single submitter. Criteria: Ambry Variant Classification Scheme 2023. Collection method: clinical testing. Allele origin: germline.
Comment: The p.T17339I variant (also known as c.52016C>T), located in coding exon 153 of the TTN gene, results from a C to T substitution at nucleotide position 52016. The threonine at codon 17339 is replaced by isoleucine, an amino acid with similar properties. This alteration has been reported as a secondary cardiac variant in an exome cohort (Ng D et al. Circ Cardiovasc Genet, 2013 Aug;6:337-46). This amino acid position is highly conserved in available vertebrate species. In addition, this alteration is predicted to be tolerated by in silico analysis. Since supporting evidence is limited at this time, the clinical significance of this alteration remains unclear.

Biesecker Lab/Clinical Genomics Section, National Institutes of Health
Classification: Uncertain significance. Last evaluated: 2013-06-24. Review status: criteria provided, single submitter. Criteria: Ng et al. (Circ Cardiovasc Genet. 2013). Collection method: research. Allele origin: unknown. Observed: 1 variant allele. Study: ClinSeq.
Comment: The study set was not selected for affection status in relation to any cancer. Pathogenicity categories were based on literature curation. See Pubmed ID:23861362 for details.

Medical sequencing

Literature cited by the submitters: PubMed 23861362 (cited by Ambry Genetics).

NM_001267550.2(TTN):c.79211C>T (p.Thr26404Ile)

Genes: TTN (titin; minus strand), TTN-AS1 (TTN antisense RNA 1; plus strand). Cytogenetic location: 2q31.2.
Variant type: single nucleotide variant.
Coding change: c.79211C>T on transcript NM_001267550.2 (MANE Select); coding-DNA position 79211, C replaced by T.
Protein change: p.Thr26404Ile; replaces threonine 26404 with isoleucine.
Molecular consequence: missense variant.
Genome position (GRCh38, 1-based): chr2:178,566,921, G>A on the plus strand (C>T on the coding strand, the complement: TTN is on the minus strand). VCF-style: chr2-178566921-G-A. GRCh37 (hg19) VCF-style: chr2-179431648-G-A.
Other names: c.74288C>T, p.Thr24763Ile (NM_001256850.1); c.52016C>T, p.Thr17339Ile (NM_003319.4); c.71507C>T, p.Thr23836Ile (NM_133378.4); c.52391C>T, p.Thr17464Ile (NM_133432.3); c.52592C>T, p.Thr17531Ile (NM_133437.4); short protein forms T23836I, T26404I, T17531I, T17339I, T24763I, T17464I.
Identifiers: ClinVar variation 191890 (VCV000191890.3), dbSNP rs786205300, ClinGen allele CA237791.
Genomic context (GRCh38, chr2:178,566,921, plus strand): 5'-TCTACAATGTAACCAATAATCTCACTTCCACCATCACTATCTGGACGGTTCCAACAGACG[G>A]TCATGGAGTCTTTGGCAATATTTGTGACTTCCAAGCTTTTTGGTGGTCCAGGAAGCACAA-3'
Protein context (NP_001254479.2, residues 26394-26414): EVTNIAKDSM[Thr26404Ile]VCWNRPDSDG